The following is an entry in ClinVar:

NM_005518.4(HMGCS2):c.1229dup (p.Ser411fs)

Gene: HMGCS2 (3-hydroxy-3-methylglutaryl-CoA synthase 2; minus strand). Cytogenetic location: 1p12.
Variant type: Duplication.
Coding change: c.1229dup on transcript NM_005518.4 (MANE Select); coding-DNA position 1229, one base duplicated (T; older notation c.1229dupT).
Protein change: p.Ser411fs; shifts the reading frame from serine 411.
Molecular consequence: frameshift variant.
Genome position (GRCh38, 1-based): chr1:119,753,345, A duplicated on the plus strand (T on the coding strand, the reverse complement: HMGCS2 is on the minus strand); the first of 2 consecutive A bases (chr1:119,753,345-119,753,346); duplicating either gives the same sequence. VCF-style (leftmost placement, unchanged base first): chr1-119753344-G-GA. GRCh37 (hg19) VCF-style: chr1-120295967-G-GA.
Other names: c.1103dup, p.Ser369fs (NM_001166107.1); short protein forms S369fs, S411fs.
Identifiers: ClinVar variation 2964858 (VCV002964858.3), dbSNP rs2464242372, ClinGen allele CA2740090344.

ClinVar aggregate classification (germline): Pathogenic (1 of 4 stars; one submission).

Conditions:
3-hydroxy-3-methylglutaryl-CoA synthase deficiency (HMGCS2D). Also called: HMG-CoA synthase-2 deficiency; MITOCHONDRIAL HMG-CoA SYNTHASE DEFICIENCY; HMGCS2 DEFICIENCY. Identifiers: Orphanet 35701, MedGen C2751532, MONDO:0011614, OMIM 605911.

Submission:

Labcorp Genetics (formerly Invitae), Labcorp
Classification: Pathogenic for 3-hydroxy-3-methylglutaryl-CoA synthase deficiency. Last evaluated: 2025-08-15. Review status: criteria provided, single submitter. Criteria: Invitae Variant Classification Sherloc (09022015). Collection method: clinical testing. Allele origin: germline.
Comment: This sequence change creates a premature translational stop signal (p.Ser411Leufs*48) in the HMGCS2 gene. It is expected to result in an absent or disrupted protein product. Loss-of-function variants in HMGCS2 are known to be pathogenic (PMID: 20346956, 23751782, 25511235). This variant is not present in population databases (gnomAD no frequency). This variant has not been reported in the literature in individuals affected with HMGCS2-related conditions. ClinVar contains an entry for this variant (Variation ID: 2964858). For these reasons, this variant has been classified as Pathogenic.

Literature cited by the submitters: PubMed 20346956; PubMed 23751782; PubMed 25511235.